The following is an entry in ClinVar:

NM_000492.4(CFTR):c.1731C>T (p.Tyr577=)

Gene: CFTR (CF transmembrane conductance regulator; plus strand). Cytogenetic location: 7q31.2.
Variant type: single nucleotide variant.
Coding change: c.1731C>T on transcript NM_000492.4 (MANE Select); coding-DNA position 1731, C replaced by T.
Protein change: p.Tyr577=; no amino-acid change (tyrosine 577 retained).
Molecular consequence: synonymous variant.
Genome position (GRCh38, 1-based): chr7:117,590,404, C>T. VCF-style: chr7-117590404-C-T. GRCh37 (hg19) VCF-style: chr7-117230458-C-T.
Identifiers: ClinVar variation 35832 (VCV000035832.51), dbSNP rs55928397, ClinGen allele CA325696.

ClinVar aggregate classification (germline): Conflicting classifications of pathogenicity. Review status: criteria provided, conflicting classifications (1 of 4 stars). 14 submissions from 14 submitters: Uncertain significance (10); Likely benign (3). 1 of the submissions does not count toward it. Last evaluated 2026-08-23.

Conditions:
CFTR-related disorder (CFTR-RD). Also called: CFTR-related disorders; CFTR-related condition. Identifiers: MedGen C5924204, MONDO:7770004.
Bronchiectasis with or without elevated sweat chloride 1 (BESC1). Also called: Cystic Fibrosis-Like Syndrome. Identifiers: Orphanet 60033, MedGen C2749757, MONDO:0008887, OMIM 211400.
Cystic fibrosis (CF). Also called: MUCOVISCIDOSIS. Identifiers: Orphanet 586, MedGen C0010674, MONDO:0009061, OMIM 219700. Disease mechanism: loss of function.

Allele frequency attached by ClinVar (database versions not stated): gnomAD 0.00009; TOPMed 0.00012; ESP Exome Variant Server 0.00015; gnomAD exomes 0.00021 and 0.00024; ExAC 0.00023.
gnomAD v4.1: 364 of 1,603,002 alleles (0.023%); highest among the groups gnomAD compares: Non-Finnish European, 0.028%; no homozygotes.

Submissions (14):

PreventionGenetics, part of Exact Sciences
Classification: Uncertain significance for CFTR-related condition. Last evaluated: 2026-08-23. Review status: criteria provided, single submitter. Criteria: ACMG Guidelines, 2015. Collection method: clinical testing. Allele origin: germline.
Comment: The CFTR c.1731C>T variant is not predicted to result in an amino acid change (p.=). This variant has been shown to induce exon skipping in a minigene assay, reducing the amount of normally spliced CFTR transcript to less than 20% compared to control (referred to as 52T, Pagani et al. 2005. PubMed ID: 15840711; referred to as Y577Y, Fernandez Alanis et al. 2012. PubMed ID: 22362925). This variant has been reported in individuals with idiopathic pancreatitis (Audrezet et al. 2008. PubMed ID: 18687795, Nakano et al. 2014. PubMed ID: 25492507). This variant has not been reported in large databases of individuals with cystic fibrosis or CFTR-related disorders (CFTR2; CFTR-France). This variant is reported in 0.036% of alleles in individuals of European (Non-Finnish) descent in gnomAD. At this time, the clinical significance of this variant is uncertain due to the absence of conclusive functional and genetic evidence.

Labcorp Genetics (formerly Invitae), Labcorp
Classification: Likely benign for Cystic fibrosis. Last evaluated: 2026-01-09. Review status: criteria provided, single submitter. Criteria: Invitae Variant Classification Sherloc (09022015). Collection method: clinical testing. Allele origin: germline.

Ambry Genetics
Classification: Uncertain significance for Cystic fibrosis. Last evaluated: 2025-10-17. Review status: criteria provided, single submitter. Criteria: Ambry Variant Classification Scheme 2023. Collection method: clinical testing. Allele origin: germline.
Comment: The c.1731C>T variant (also known as p.Y577Y), located in coding exon 13 of the CFTR gene, results from a C to T substitution at nucleotide position 1731. This nucleotide substitution does not change the amino acid at codon 577. Functional splicing assays have observed this variant to cause exon 12 skipping (exon 13 based on current exon numbering) using in vitro hybrid minigene transcripts, and authors suggested it may affect exonic splicing regulatory elements (Pagani F et al. Proc Natl Acad Sci U S A, 2005 May;102:6368-72; Fernandez Alanis E et al. Hum. Mol. Genet., 2012 Jun;21:2389-98; Doneg&agrave; S et al. Hum Mutat, 2020 12;41:2143-2154). This alteration has been identified in multiple individuals diagnosed with pancreatitis (Nakano E et al. Dig Dis Sci, 2015 May;60:1297-307; Jalaly NY et al. Am J Gastroenterol, 2017 Aug;112:1320-1329). This nucleotide position is poorly conserved in available vertebrate species. In silico splice site analysis for this alteration is inconclusive. Based on the available evidence, the clinical significance of this variant remains unclear.

Women's Health and Genetics/Laboratory Corporation of America, LabCorp
Classification: Uncertain significance. Last evaluated: 2025-08-13. Review status: criteria provided, single submitter. Criteria: LabCorp Variant Classification Summary - May 2015. Collection method: clinical testing. Allele origin: germline.
Comment: Variant summary: CFTR c.1731C>T alters a non-conserved nucleotide resulting in a synonymous change. Consensus agreement among computation tools predict no significant impact on normal splicing. However, these predictions have yet to be confirmed by functional studies. Multiple functional studies demonstrated that this variant has an effect on splicing, with as little as approximately 5% exon 13 inclusion (legacy name exon 12), however this effect is dependent on other neighboring variants (example: Raponi_2006, Pagani_2003, Amaral_2004, Fernandez Alanis_2012, Donega_2020). At least one recent functional study reports no significant effect of this variant on splicing (example: Ramalho_2015). To our knowledge no studies reporting a functional impact of this variant on CFTR channel activity have been reported. The variant allele was found at a frequency of 0.00021 in 250348 control chromosomes. This frequency is not significantly higher than estimated for a pathogenic variant in CFTR causing Cystic Fibrosis (0.00021 vs 0.013), allowing no conclusion about variant significance. c.1731C>T has been observed in individuals with idiopathic chronic pancreatitis (example: Audrezet_2008, Nakano_2015, Jalaly_2017). These reports do not provide unequivocal conclusions about association of the variant with Cystic Fibrosis. The following publications have been ascertained in the context of this evaluation (PMID: 15463919, 18687795, 32935393, 23890012, 22362925, 28440306, 25492507, 15840711, 25735457, 17172597, 22591852, 26761715). ClinVar contains an entry for this variant (Variation ID: 35832). Based on the evidence outlined above, the variant was classified as uncertain significance.

CeGaT Center for Human Genetics Tuebingen
Classification: Uncertain significance. Last evaluated: 2025-05-01. Review status: criteria provided, single submitter. Criteria: CeGaT Center For Human Genetics Tuebingen Variant Classification Criteria Version 2. Collection method: clinical testing. Allele origin: germline. Affected: yes. Observed: 1 variant allele.
Comment: CFTR: PM2, BP4, BP7

Blueprint Genetics
Classification: Likely benign. Last evaluated: 2024-10-30. Review status: criteria provided, single submitter. Criteria: ACMG Guidelines, 2015. Collection method: clinical testing. Allele origin: germline.

Johns Hopkins Genomics, Johns Hopkins University
Classification: Likely benign for Cystic fibrosis. Last evaluated: 2024-05-08. Review status: criteria provided, single submitter. Criteria: ACMG Guidelines, 2015. Collection method: clinical testing. Allele origin: germline.
Comment: PS3_moderate, PM2, BP6, BS4_supporting

Mayo Clinic Laboratories, Mayo Clinic
Classification: Uncertain significance. Last evaluated: 2024-02-02. Review status: criteria provided, single submitter. Criteria: ACMG Guidelines, 2015. Collection method: clinical testing. Allele origin: germline. Observed: 3 variant alleles.
Comment: PM2_supporting, PS3

Baylor Genetics
Classification: Uncertain significance for Bronchiectasis with or without elevated sweat chloride 1. Last evaluated: 2022-12-05. Review status: criteria provided, single submitter. Criteria: ACMG Guidelines, 2015. Collection method: clinical testing. Allele origin: unknown.

Quest Diagnostics Nichols Institute San Juan Capistrano
Classification: Uncertain significance. Last evaluated: 2022-10-11. Review status: criteria provided, single submitter. Criteria: Quest Diagnostics criteria. Collection method: clinical testing. Allele origin: unknown.
Comment: The frequency of this variant in the general population, 0.00036 (46/128572 chromosomes), is uninformative in assessment of its pathogenicity. In the published literature, the variant has been reported in affected individuals with idiopathic chronic pancreatitis (PMIDs: 18687795 (2008) and 25492507 (2015)). Functional studies predict exon 12 skipping and did not show any detectable protein (PMIDs: 15463919 (2004), 22362925 (2012), 22591852 (2012), and 32935393 (2020)). Analysis of this variant using software algorithms for the prediction of the effect of nucleotide changes on splicing yielded predictions that this variant does not affect CFTR mRNA splicing . Based on the available information, we are unable to determine the clinical significance of this variant.

Genome-Nilou Lab
Classification: Uncertain significance for Cystic fibrosis. Last evaluated: 2021-07-22. Review status: criteria provided, single submitter. Criteria: ACMG Guidelines, 2015. Collection method: clinical testing. Allele origin: germline. Affected: no.

Revvity Omics, Revvity
Classification: Uncertain significance. Last evaluated: 2021-02-18. Review status: criteria provided, single submitter. Criteria: ACMG Guidelines, 2015. Collection method: clinical testing. Allele origin: germline.

ARUP Laboratories, Molecular Genetics and Genomics, ARUP Laboratories
Classification: Uncertain significance. Last evaluated: 2020-12-03. Review status: criteria provided, single submitter. Criteria: ARUP Molecular Germline Variant Investigation Process 2021. Collection method: clinical testing. Allele origin: germline.
Comment: The CFTR c.1731C>T; p.Tyr577Tyr variant (rs55928397), is reported in the literature in an individual affected with cystic fibrosis (SickKids CFTR database). This variant is found in the non-Finnish European population with an overall allele frequency of 0.04% (46/128572 alleles) in the Genome Aggregation Database, and it is reported in ClinVar (Variation ID: 35832). This is a synonymous variant in a weakly conserved nucleotide; however, it occurs in an exonic splicing enhancer element and minigene assays indicate it may lead to increased skipping of exon 12 (Amaral 2004, Fernandez Alanis 2012, Pagani 2005), although this has not been demonstrated in patient cells with this variant. Given the lack of clinical and functional data, the significance of the c.1731C>T variant is uncertain at this time. References: SickKids CFTR database entry for p.Tyr577Tyr: Amaral MD et al. Quantitative methods for the analysis of CFTR transcripts/splicing variants. J Cyst Fibros. 2004 Aug;3 Suppl 2:17-23. Fernandez Alanis et al. An exon-specific U1 small nuclear RNA (snRNA) strategy to correct splicing defects. Hum Mol Genet. 2012 Jun 1;21(11):2389-98. Pagani F et al. Synonymous mutations in CFTR exon 12 affect splicing and are not neutral in evolution. Proc Natl Acad Sci U S A. 2005 May 3;102(18):6368-72.

Natera, Inc.
Classification: Uncertain significance for Cystic Fibrosis. Last evaluated: 2020-09-16. Review status: no assertion criteria provided. Collection method: clinical testing. Allele origin: germline. Not counted in ClinVar's aggregate classification.

Literature cited by the submitters: PubMed 15463919 (cited by 4 submitters); PubMed 15840711 (cited by 4 submitters); PubMed 22362925 (cited by 3 submitters); PubMed 25492507 (cited by 4 submitters); PubMed 28440306 (cited by Ambry Genetics and Women's Health and Genetics/Laboratory Corporation of America, LabCorp); PubMed 32935393 (cited by 4 submitters); PubMed 18687795 (cited by Women's Health and Genetics/Laboratory Corporation of America, LabCorp and Quest Diagnostics Nichols Institute San Juan Capistrano); PubMed 23890012 (cited by Women's Health and Genetics/Laboratory Corporation of America, LabCorp and Quest Diagnostics Nichols Institute San Juan Capistrano); PubMed 22591852 (cited by Women's Health and Genetics/Laboratory Corporation of America, LabCorp and Quest Diagnostics Nichols Institute San Juan Capistrano); PubMed 25735457 (cited by Women's Health and Genetics/Laboratory Corporation of America, LabCorp and Quest Diagnostics Nichols Institute San Juan Capistrano); PubMed 26761715 (cited by Women's Health and Genetics/Laboratory Corporation of America, LabCorp and Quest Diagnostics Nichols Institute San Juan Capistrano); PubMed 17172597 (cited by Women's Health and Genetics/Laboratory Corporation of America, LabCorp and Quest Diagnostics Nichols Institute San Juan Capistrano); PubMed 12719375 (cited by Quest Diagnostics Nichols Institute San Juan Capistrano).